The following is an entry in ClinVar:

ClinVar aggregate classification (germline): Uncertain significance (1 of 4 stars; one submission).

Conditions:
Inborn genetic diseases. Identifiers: MedGen C0950123, MeSH D030342.

Submission:

Ambry Genetics
Classification: Uncertain significance for Inborn genetic diseases. Last evaluated: 2025-06-18. Review status: criteria provided, single submitter. Criteria: Ambry Variant Classification Scheme 2023. Collection method: clinical testing. Allele origin: germline.
Comment: The p.A1199E variant (also known as c.3596C>A), located in coding exon 13 of the ASXL1 gene, results from a C to A substitution at nucleotide position 3596. The alanine at codon 1199 is replaced by glutamic acid, an amino acid with dissimilar properties. This amino acid position is conserved. In addition, this alteration is predicted to be tolerated by in silico analysis. Based on the available evidence, the clinical significance of this variant remains unclear.

NM_015338.6(ASXL1):c.3596C>A (p.Ala1199Glu)

Gene: ASXL1 (ASXL transcriptional regulator 1; plus strand). Cytogenetic location: 20q11.21.
Variant type: single nucleotide variant.
Coding change: c.3596C>A on transcript NM_015338.6 (MANE Select); coding-DNA position 3596, C replaced by A.
Protein change: p.Ala1199Glu; replaces alanine 1199 with glutamic acid.
Molecular consequence: missense variant.
Genome position (GRCh38, 1-based): chr20:32,436,308, C>A. VCF-style: chr20-32436308-C-A. GRCh37 (hg19) VCF-style: chr20-31024111-C-A.
Other names: c.3413C>A, p.Ala1138Glu (NM_001363734.1); short protein forms A1138E, A1199E.
Identifiers: ClinVar variation 4157686 (VCV004157686.1).